The following is an entry in ClinVar:

ClinVar aggregate classification (germline): Pathogenic (1 of 4 stars; one submission).

Conditions:
Neuromuscular disease caused by qualitative or quantitative defects of dystrophin. Also called: Qualitative or quantitative defects of dystrophin. Identifiers: Orphanet 207085, MedGen C5679787, MONDO:0016147.

Submission:

Women's Health and Genetics/Laboratory Corporation of America, LabCorp
Classification: Pathogenic for Dystrophinopathies. Last evaluated: 2019-10-14. Review status: criteria provided, single submitter. Criteria: LabCorp Variant Classification Summary - May 2015. Collection method: clinical testing. Allele origin: germline.
Comment: Variant summary: The variant identified by MLPA involves the deletion of exons 14-19 in the DMD gene (predicted consequence: frameshift; p.Val535Argfs*15) (DOVE database). A presumed nomenclature of c.(1602+1_1603-1)_(2380+1_2381-1)del has been designated for the purposes of this classification. The variant was absent in about 20972 control chromosomes (gnomAD SVs database). c.(1602+1_1603-1)_(2380+1_2381-1)del has been reported as deletion of exons 14-19 in the literature in an individual with Duchenne Muscular Dystrophy and in another with unspecified dystrophinopathy (Mah_2011). In addition, deletions of exons14-15, exons14-17 and exons14-18 have been reported in multiple patients with Dystrophinopathies (HGMD database).To our knowledge, no experimental evidence demonstrating its impact on protein function has been reported. No ClinVar submitters have submitted clinical-significance assessments for this variant to ClinVar after 2014. Based on the evidence outlined above, the variant was classified as pathogenic.

Literature cited by the submitters: PubMed 21515508.

NC_000023.11:g.(32491519_32501754)_(32573847_32595756)del

Gene: DMD (dystrophin; minus strand). Cytogenetic location: Xp21.1.
Variant type: Deletion.
Identifiers: ClinVar variation 981973 (VCV000981973.1).